The following is an entry in ClinVar:

NM_031935.3(HMCN1):c.3586G>C (p.Gly1196Arg)

Gene: HMCN1 (hemicentin 1; plus strand). Cytogenetic location: 1q31.1.
Variant type: single nucleotide variant.
Coding change: c.3586G>C on transcript NM_031935.3 (MANE Select); coding-DNA position 3586, G replaced by C.
Protein change: p.Gly1196Arg; replaces glycine 1196 with arginine.
Molecular consequence: missense variant.
Genome position (GRCh38, 1-based): chr1:185,994,895, G>C. VCF-style: chr1-185994895-G-C. GRCh37 (hg19) VCF-style: chr1-185964027-G-C.
Other names: short protein forms G1196R.
Identifiers: ClinVar variation 2997054 (VCV002997054.3), dbSNP rs1652678915, ClinGen allele CA343871044.

ClinVar aggregate classification (germline): Uncertain significance (1 of 4 stars; one submission).

Allele frequency attached by ClinVar (database versions not stated): TOPMed below 0.00001.

Submission:

Labcorp Genetics (formerly Invitae), Labcorp
Classification: Uncertain significance. Last evaluated: 2023-12-22. Review status: criteria provided, single submitter. Criteria: Invitae Variant Classification Sherloc (09022015). Collection method: clinical testing. Allele origin: germline.
Comment: This sequence change replaces glycine, which is neutral and non-polar, with arginine, which is basic and polar, at codon 1196 of the HMCN1 protein (p.Gly1196Arg). This variant is not present in population databases (gnomAD no frequency). This variant has not been reported in the literature in individuals affected with HMCN1-related conditions. An algorithm developed to predict the effect of missense changes on protein structure and function (PolyPhen-2) suggests that this variant is likely to be disruptive. In summary, the available evidence is currently insufficient to determine the role of this variant in disease. Therefore, it has been classified as a Variant of Uncertain Significance.